The following is an entry in ClinVar:

NM_005006.7(NDUFS1):c.1696A>T (p.Ile566Phe)

Gene: NDUFS1 (NADH:ubiquinone oxidoreductase core subunit S1; minus strand). Cytogenetic location: 2q33.3.
Variant type: single nucleotide variant.
Coding change: c.1696A>T on transcript NM_005006.7 (MANE Select); coding-DNA position 1696, A replaced by T.
Protein change: p.Ile566Phe; replaces isoleucine 566 with phenylalanine.
Molecular consequence: missense variant.
Genome position (GRCh38, 1-based): chr2:206,130,100, T>A on the plus strand (A>T on the coding strand, the complement: NDUFS1 is on the minus strand). VCF-style: chr2-206130100-T-A. GRCh37 (hg19) VCF-style: chr2-206994824-T-A.
Other names: c.1588A>T, p.Ile530Phe (NM_001199981.2); c.1363A>T, p.Ile455Phe (NM_001199982.2); c.1525A>T, p.Ile509Phe (NM_001199983.2); c.1738A>T, p.Ile580Phe (NM_001199984.2); short protein forms I566F, I455F, I530F, I509F, I580F.
Identifiers: ClinVar variation 214775 (VCV000214775.2), dbSNP rs863224097, ClinGen allele CA321724.

ClinVar aggregate classification (germline): Likely pathogenic (1 of 4 stars; one submission).

Allele frequency attached by ClinVar (database versions not stated): gnomAD exomes below 0.00001; TOPMed 0.00001.
gnomAD v4.1: 1 of 1,614,196 alleles (0.000062%); highest among the groups gnomAD compares: Admixed American, 0.0017%; no homozygotes.

Submission:

GeneDx
Classification: Likely pathogenic. Last evaluated: 2012-08-27. Review status: criteria provided, single submitter. Criteria: GeneDx Variant Classification (06012015). Collection method: clinical testing. Allele origin: germline. Affected: yes.
Comment: p.Ile566Phe (ATT>TTT):c.1696 A>T in exon 15 of the NDUFS1 gene (NM_005006.5). The I566F missense change likely associated with a mitochondrial disorder has not been published as a mutation, nor has it been reported as a benign polymorphism to our knowledge. The amino acid change is conservative in that both Isoleucine and Phenylalanine are uncharged, non-polar amino acids. However, this change occurs at a highly conserved position in the NDUFS1 protein, and multiple in-silico analysis programs predict that I566F is damaging to the NDUFS1 protein. Therefore, I566F is a strong candidate for a disease-causing mutation, however the possibility that it is a benign variant cannot be excluded. The variant is found in MITONUC-MITOP panel(s).